The following is an entry in ClinVar:

ClinVar aggregate classification (germline): Pathogenic (1 of 4 stars; one submission).

Conditions:
Tyrosinemia type II (TYRSN2). Also called: KERATOSIS PALMOPLANTARIS WITH CORNEAL DYSTROPHY; OREGON TYPE TYROSINEMIA; TAT DEFICIENCY; TYROSINE AMINOTRANSFERASE DEFICIENCY; TYROSINE TRANSAMINASE DEFICIENCY. Identifiers: Orphanet 28378, MedGen C0268487, MONDO:0010160, OMIM 276600.

Submission:

Labcorp Genetics (formerly Invitae), Labcorp
Classification: Pathogenic for Tyrosinemia type II. Last evaluated: 2021-06-29. Review status: criteria provided, single submitter. Criteria: Invitae Variant Classification Sherloc (09022015). Collection method: clinical testing. Allele origin: germline.
Comment: This sequence change creates a premature translational stop signal (p.Val30Glyfs*5) in the TAT gene. It is expected to result in an absent or disrupted protein product. Loss-of-function variants in TAT are known to be pathogenic (PMID: 9544843). For these reasons, this variant has been classified as Pathogenic. This variant has not been reported in the literature in individuals with TAT-related conditions. This variant is not present in population databases (ExAC no frequency).

Literature cited by the submitters: PubMed 9544843.

NM_000353.3(TAT):c.89del (p.Val30fs)

Gene: TAT (tyrosine aminotransferase; minus strand). Cytogenetic location: 16q22.2.
Variant type: Deletion.
Coding change: c.89del on transcript NM_000353.3 (MANE Select); coding-DNA position 89, one base deleted (T; older notation c.89delT).
Protein change: p.Val30fs; shifts the reading frame from valine 30.
Molecular consequence: frameshift variant.
Genome position (GRCh38, 1-based): chr16:71,576,327, A deleted on the plus strand (T on the coding strand, the reverse complement: TAT is on the minus strand). VCF-style (leftmost placement, unchanged base first): chr16-71576326-CA-C. GRCh37 (hg19) VCF-style: chr16-71610229-CA-C.
Other names: short protein forms V30fs.
Identifiers: ClinVar variation 1452969 (VCV001452969.6), dbSNP rs2145236067, ClinGen allele CA2573152703.
Genomic context (GRCh38, chr16:71,576,326, plus strand): 5'-CTTGGCCATGTCTGAGGGCCTCACAGACCACCTGGCCTTTCTGCCTTTCATTTTTCCCGG[CA>C]CAGAGCTTCTCCCACCAACGTTGACATGCACGTCCAGAATTGAGGGGAGGTTGCCTTTGC-3'